The following is an entry in ClinVar:

ClinVar aggregate classification (germline): Uncertain significance (1 of 4 stars; one submission).

Conditions:
Charcot-Marie-Tooth disease type 2. Also called: Charcot-Marie-Tooth type 2. Identifiers: Orphanet 64746, MedGen C0270914, MONDO:0018993.

Allele frequency attached by ClinVar (database versions not stated): gnomAD exomes below 0.00001.
gnomAD v4.1: 2 of 1,614,200 alleles (0.00012%); highest among the groups gnomAD compares: Admixed American, 0.0033%; no homozygotes.

Submission:

Labcorp Genetics (formerly Invitae), Labcorp
Classification: Uncertain significance for Charcot-Marie-Tooth disease type 2. Last evaluated: 2024-12-19. Review status: criteria provided, single submitter. Criteria: Invitae Variant Classification Sherloc (09022015). Collection method: clinical testing. Allele origin: germline.
Comment: This sequence change replaces lysine, which is basic and polar, with arginine, which is basic and polar, at codon 812 of the AARS protein (p.Lys812Arg). This variant is not present in population databases (gnomAD no frequency). This variant has not been reported in the literature in individuals affected with AARS-related conditions. ClinVar contains an entry for this variant (Variation ID: 850301). An algorithm developed to predict the effect of missense changes on protein structure and function (PolyPhen-2) suggests that this variant is likely to be disruptive. In summary, the available evidence is currently insufficient to determine the role of this variant in disease. Therefore, it has been classified as a Variant of Uncertain Significance.

NM_001605.3(AARS1):c.2435A>G (p.Lys812Arg)

Gene: AARS1 (alanyl-tRNA synthetase 1; minus strand). Cytogenetic location: 16q22.1.
Variant type: single nucleotide variant.
Coding change: c.2435A>G on transcript NM_001605.3 (MANE Select); coding-DNA position 2435, A replaced by G.
Protein change: p.Lys812Arg; replaces lysine 812 with arginine.
Molecular consequence: missense variant.
Genome position (GRCh38, 1-based): chr16:70,254,004, T>C on the plus strand (A>G on the coding strand, the complement: AARS1 is on the minus strand). VCF-style: chr16-70254004-T-C. GRCh37 (hg19) VCF-style: chr16-70287907-T-C.
Other names: short protein forms K812R.
Identifiers: ClinVar variation 850301 (VCV000850301.7), dbSNP rs1179785822, ClinGen allele CA396555428.
Genomic context (GRCh38, chr16:70,254,004, plus strand): 5'-GCTCGGTCCAAGTCATCCATGACCTTCTTTAGGGATTTGAGAGTCTCCCGCAATTCATCC[T>C]TCTGCCACTGGGGGATGACTGCAGTGGCCAGGGCCTGGAACCAATAGACGACCATCTCAA-3'
Protein context (NP_001596.2, residues 802-822): LATAVIPQWQ[Lys812Arg]DELRETLKSL